The following is an entry in ClinVar:

NM_022042.4(SLC26A1):c.821del (p.Leu274fs)

Genes: IDUA (alpha-L-iduronidase; plus strand), SLC26A1 (solute carrier family 26 member 1; minus strand). Cytogenetic location: 4p16.3.
Variant type: Deletion.
Coding change: c.821del on transcript NM_022042.4 (MANE Select); coding-DNA position 821, one base deleted (T; older notation c.821delT).
Protein change: p.Leu274fs; shifts the reading frame from leucine 274.
Molecular consequence: frameshift variant. On other transcripts: intron variant (2).
Genome position (GRCh38, 1-based): chr4:990,118, A deleted on the plus strand (T on the coding strand, the reverse complement: SLC26A1 is on the minus strand). VCF-style (leftmost placement, unchanged base first): chr4-990117-CA-C. GRCh37 (hg19) VCF-style: chr4-983905-CA-C.
Other names: c.821del, p.Leu274fs (NM_213613.4); c.576+1010del (NM_134425.4); c.299+2169del (NM_000203.5); short protein forms L274fs.
Identifiers: ClinVar variation 4745276 (VCV004745276.1).

ClinVar aggregate classification (germline): Uncertain significance (1 of 4 stars; one submission).

Submission:

Labcorp Genetics (formerly Invitae), Labcorp
Classification: Uncertain significance. Last evaluated: 2025-07-06. Review status: criteria provided, single submitter. Criteria: Invitae Variant Classification Sherloc (09022015). Collection method: clinical testing. Allele origin: germline.
Comment: This sequence change creates a premature translational stop signal (p.Leu274Argfs*2) in the SLC26A1 gene. While this is not anticipated to result in nonsense mediated decay, it is expected to disrupt the last 428 amino acid(s) of the SLC26A1 protein. This variant is present in population databases (rs767260790, gnomAD 0.007%). This variant has not been reported in the literature in individuals affected with SLC26A1-related conditions. Experimental studies and prediction algorithms are not available or were not evaluated, and the functional significance of this variant is currently unknown. In summary, the available evidence is currently insufficient to determine the role of this variant in disease. Therefore, it has been classified as a Variant of Uncertain Significance.